The following is an entry in ClinVar:

NM_001135254.2(PAX7):c.742G>T (p.Glu248Ter)

Gene: PAX7 (paired box 7; plus strand). Cytogenetic location: 1p36.13.
Variant type: single nucleotide variant.
Coding change: c.742G>T on transcript NM_001135254.2 (MANE Select); coding-DNA position 742, G replaced by T.
Protein change: p.Glu248Ter; replaces glutamic acid 248 with a stop codon.
Molecular consequence: nonsense.
Genome position (GRCh38, 1-based): chr1:18,691,909, G>T. VCF-style: chr1-18691909-G-T. GRCh37 (hg19) VCF-style: chr1-19018403-G-T.
Other names: c.742G>T, p.Glu248Ter (NM_002584.3); c.736G>T, p.Glu246Ter (NM_013945.3); short protein forms E246*, E248*.
Identifiers: ClinVar variation 3775439 (VCV003775439.1).

ClinVar aggregate classification (germline): Pathogenic (1 of 4 stars; one submission).

Conditions:
Myopathy, congenital, progressive, with scoliosis. Also called: CONGENITAL MYOPATHY 19. Identifiers: MedGen C5231417, MONDO:0032821, OMIM 618578.

Submission:

3billion
Classification: Pathogenic for Myopathy, congenital, progressive, with scoliosis. Last evaluated: 2023-06-30. Review status: criteria provided, single submitter. Criteria: ACMG Guidelines, 2015. Collection method: clinical testing. Allele origin: germline. Affected: yes.
Comment: The variant is not observed in the gnomAD v2.1.1 dataset. Predicted Consequence/Location: Stop-gained (nonsense): predicted to result in a loss or disruption of normal protein function through nonsense-mediated decay (NMD) or protein truncation. Multiple pathogenic variants are reported downstream of the variant. Therefore, this variant is classified as Pathogenic according to the recommendation of ACMG/AMP guideline.